The following is an entry in ClinVar:

NM_006648.4(WNK2):c.2597G>A (p.Gly866Glu)

Gene: WNK2 (WNK lysine deficient protein kinase 2; plus strand). Cytogenetic location: 9q22.31.
Variant type: single nucleotide variant.
Coding change: c.2597G>A on transcript NM_006648.4 (MANE Select); coding-DNA position 2597, G replaced by A.
Protein change: p.Gly866Glu; replaces glycine 866 with glutamic acid.
Molecular consequence: missense variant.
Genome position (GRCh38, 1-based): chr9:93,259,145, G>A. VCF-style: chr9-93259145-G-A. GRCh37 (hg19) VCF-style: chr9-96021427-G-A.
Other names: c.2597G>A, p.Gly866Glu (NM_001282394.3); short protein forms G866E.
Identifiers: ClinVar variation 3981842 (VCV003981842.1).

ClinVar aggregate classification (germline): Uncertain significance (1 of 4 stars; one submission).

gnomAD v4.1: 2 of 1,611,404 alleles (0.00012%); highest among the groups gnomAD compares: East Asian, 0.0045%; no homozygotes.

Submission:

Ambry Genetics
Classification: Uncertain significance. Last evaluated: 2025-04-09. Review status: criteria provided, single submitter. Criteria: Ambry Variant Classification Scheme 2023. Collection method: clinical testing. Allele origin: germline.
Comment: The p.G866E variant (also known as c.2597G>A), located in coding exon 11 of the WNK2 gene, results from a G to A substitution at nucleotide position 2597. The glycine at codon 866 is replaced by glutamic acid, an amino acid with similar properties. This amino acid position is conserved. In addition, this alteration is predicted to be tolerated by in silico analysis. Based on the available evidence, the clinical significance of this variant remains unclear.